The following is an entry in ClinVar:

ClinVar aggregate classification (germline): Pathogenic/Likely pathogenic. Review status: criteria provided, multiple submitters, no conflicts (2 of 4 stars). 2 submissions from 2 submitters: Pathogenic (1); Likely pathogenic (1). Last evaluated 2024-07-27.

Conditions:
Propionic acidemia (PROP). Also called: HYPERGLYCINEMIA WITH KETOACIDOSIS AND LEUKOPENIA; KETOTIC HYPERGLYCINEMIA; GLYCINEMIA, KETOTIC. Identifiers: Orphanet 35, MedGen C0268579, MONDO:0011628, OMIM 606054, HP:0003571.

Submissions (2):

Myriad Genetics, Inc.
Classification: Pathogenic for Propionic acidemia. Last evaluated: 2024-07-27. Review status: criteria provided, single submitter. Criteria: Myriad Autosomal Dominant, Autosomal Recessive and X-Linked Classification Criteria (2023). Collection method: clinical testing. Allele origin: unknown.
Comment: NM_000282.3(PCCA):c.1315delA(S439Vfs*10) is expected to be pathogenic in the context of PCCA-related propionic acidemia. This variant is predicted to lead to an abnormal or absent protein product due to the creation of a premature termination codon in PCCA, a gene where loss-of-function variants are known to be pathogenic. Please note: this variant was assessed in the context of healthy population screening.

Baylor Genetics
Classification: Likely pathogenic for Propionic acidemia. Last evaluated: 2022-11-11. Review status: criteria provided, single submitter. Criteria: ACMG Guidelines, 2015. Collection method: clinical testing. Allele origin: unknown.

NM_000282.4(PCCA):c.1315del (p.Ser439fs)

Gene: PCCA (propionyl-CoA carboxylase subunit alpha; plus strand). Cytogenetic location: 13q32.3.
Variant type: Deletion.
Coding change: c.1315del on transcript NM_000282.4 (MANE Select); coding-DNA position 1315, one base deleted (A; older notation c.1315delA).
Protein change: p.Ser439fs; shifts the reading frame from serine 439.
Molecular consequence: frameshift variant. On other transcripts: non-coding transcript variant (5).
Genome position (GRCh38, 1-based): chr13:100,307,222, A deleted; the last of 2 consecutive A bases (chr13:100,307,221-100,307,222); deleting either gives the same sequence. VCF-style (leftmost placement, unchanged base first): chr13-100307220-GA-G. GRCh37 (hg19) VCF-style: chr13-100959474-GA-G.
Other names: c.1237del, p.Ser413fs (NM_001127692.3, NM_001352607.2); c.1315del, p.Ser439fs (NM_001178004.2, NM_001352605.2, NM_001352609.2); c.1171del, p.Ser391fs (NM_001352606.2); c.1093del, p.Ser365fs (NM_001352608.2); c.370del, p.Ser124fs (NM_001352610.2, NM_001352611.2); c.226del, p.Ser76fs (NM_001352612.2); short protein forms S124fs, S365fs, S391fs, S413fs, S439fs, S76fs.
Identifiers: ClinVar variation 2677507 (VCV002677507.2), dbSNP rs2548142802, ClinGen allele CA2695199770.